The following is an entry in ClinVar:

NM_001292063.2(OTOG):c.5813C>T (p.Thr1938Met)

Gene: OTOG (otogelin; plus strand). Cytogenetic location: 11p15.1.
Variant type: single nucleotide variant.
Coding change: c.5813C>T on transcript NM_001292063.2 (MANE Select); coding-DNA position 5813, C replaced by T.
Protein change: p.Thr1938Met; replaces threonine 1938 with methionine.
Molecular consequence: missense variant.
Genome position (GRCh38, 1-based): chr11:17,611,113, C>T. VCF-style: chr11-17611113-C-T. GRCh37 (hg19) VCF-style: chr11-17632660-C-T.
Other names: c.5849C>T, p.Thr1950Met (NM_001277269.2); short protein forms T1950M, T1938M.
Identifiers: ClinVar variation 227788 (VCV000227788.10), dbSNP rs758489218, ClinGen allele CA5905954.

ClinVar aggregate classification (germline): Conflicting classifications of pathogenicity. Review status: criteria provided, conflicting classifications (1 of 4 stars). 3 submissions from 3 submitters: Uncertain significance (2); Likely benign (1). Last evaluated 2023-10-13.

Allele frequency attached by ClinVar (database versions not stated): gnomAD exomes 0.00003 and 0.00005; TOPMed 0.00003; ExAC 0.00006; gnomAD 0.00006.
gnomAD v4.1: 52 of 1,550,436 alleles (0.0034%); highest among the groups gnomAD compares: Admixed American, 0.018%; no homozygotes.

Submissions (3):

Labcorp Genetics (formerly Invitae), Labcorp
Classification: Uncertain significance. Last evaluated: 2023-10-13. Review status: criteria provided, single submitter. Criteria: Invitae Variant Classification Sherloc (09022015). Collection method: clinical testing. Allele origin: germline.
Comment: This sequence change replaces threonine, which is neutral and polar, with methionine, which is neutral and non-polar, at codon 1950 of the OTOG protein (p.Thr1950Met). The frequency data for this variant in the population databases is considered unreliable, as metrics indicate poor data quality at this position in the gnomAD database. This variant has not been reported in the literature in individuals affected with OTOG-related conditions. ClinVar contains an entry for this variant (Variation ID: 227788). Algorithms developed to predict the effect of missense changes on protein structure and function output the following: SIFT: "Not Available"; PolyPhen-2: "Benign"; Align-GVGD: "Not Available". The methionine amino acid residue is found in multiple mammalian species, which suggests that this missense change does not adversely affect protein function. In summary, the available evidence is currently insufficient to determine the role of this variant in disease. Therefore, it has been classified as a Variant of Uncertain Significance.

GeneDx
Classification: Uncertain significance. Last evaluated: 2022-01-10. Review status: criteria provided, single submitter. Criteria: GeneDx Variant Classification Process June 2021. Collection method: clinical testing. Allele origin: germline. Affected: yes.
Comment: In silico analysis supports that this missense variant does not alter protein structure/function; Has not been previously published as pathogenic or benign to our knowledge

Laboratory for Molecular Medicine, Mass General Brigham Personalized Medicine
Classification: Likely benign. Last evaluated: 2015-08-26. Review status: criteria provided, single submitter. Criteria: LMM Criteria. Collection method: clinical testing. Allele origin: germline. Observed: 1 variant allele.
Comment: p.Thr1950Met in exon 35 of OTOG: This variant is not expected to have clinical significance due to a lack of conservation across species, including mammals. Of note, guinea pig, brush-tailed rat and Cape elephant shrew has a methionine (Me t) at this position despite high nearby amino acid conservation. In addition, co mputational prediction tools do not suggest a high likelihood of impact to the p rotein. It has also been identified in 1/5122 European chromosomes by the Exome Aggregation Consortium (ExAC).